The following is an entry in ClinVar:

ClinVar aggregate classification (germline): Likely pathogenic (1 of 4 stars; one submission).

Conditions:
Duchenne muscular dystrophy (DMD). Also called: MUSCULAR DYSTROPHY, PSEUDOHYPERTROPHIC PROGRESSIVE, DUCHENNE TYPE; Duchenne Muscular Dystrophy (DMD). Identifiers: Orphanet 98896, MedGen C0013264, MONDO:0010679, OMIM 310200.

Submission:

Laboratory of Medical Genetics, National & Kapodistrian University of Athens
Classification: Likely pathogenic for Duchenne muscular dystrophy. Last evaluated: 2022-12-16. Review status: criteria provided, single submitter. Criteria: ACMG Guidelines, 2015. Collection method: clinical testing. Allele origin: germline. Affected: yes.
Comment: PVS1, PM2

NM_004006.3(DMD):c.3337_3338insTGGG (p.Gln1113fs)

Gene: DMD (dystrophin; minus strand). Cytogenetic location: Xp21.1.
Variant type: Insertion.
Coding change: c.3337_3338insTGGG on transcript NM_004006.3 (MANE Select); coding-DNA positions 3337 to 3338, TGGG inserted.
Protein change: p.Gln1113fs; shifts the reading frame from glutamine 1113.
Molecular consequence: frameshift variant.
Genome position: GRCh38 VCF-style: chrX-32463533-T-TCCCA. GRCh37 (hg19) VCF-style: chrX-32481650-T-TCCCA.
Other names: c.3313_3314insTGGG, p.Gln1105fs (NM_000109.4); c.3325_3326insTGGG, p.Gln1109fs (NM_004009.3); c.2968_2969insTGGG, p.Gln990fs (NM_004010.3); short protein forms Q1105fs, Q1109fs, Q1113fs, Q990fs.
Identifiers: ClinVar variation 1806414 (VCV001806414.1), dbSNP rs2524515692, ClinGen allele CA2580100689.
Genomic context (GRCh38, chrX:32,463,533, plus strand): 5'-TCTTTGAGTTCTGTCTCAAGTCTCGAAGCAAACTCTGGCTCTGCTTCATTCTTTATCTTC[T>TCCCA]GCCCACCTTCATTGACACTGTTTAGACTGGGCTGAATTGTCTGAATATCACTGACTAAAA-3'